The following is an entry in ClinVar:

NM_000733.4(CD3E):c.550C>T (p.Pro184Ser)

Gene: CD3E (CD3 epsilon subunit of T-cell receptor complex; plus strand). Cytogenetic location: 11q23.3.
Variant type: single nucleotide variant.
Coding change: c.550C>T on transcript NM_000733.4 (MANE Select); coding-DNA position 550, C replaced by T.
Protein change: p.Pro184Ser; replaces proline 184 with serine.
Molecular consequence: missense variant.
Genome position (GRCh38, 1-based): chr11:118,314,477, C>T. VCF-style: chr11-118314477-C-T. GRCh37 (hg19) VCF-style: chr11-118185192-C-T.
Other names: short protein forms P184S.
Identifiers: ClinVar variation 3375017 (VCV003375017.3).

ClinVar aggregate classification (germline): Uncertain significance. Review status: criteria provided, multiple submitters, no conflicts (2 of 4 stars). 2 submissions from 2 submitters: Uncertain significance (2). Last evaluated 2024-09-06.

Conditions:
Immunodeficiency 18 (IMD18). Also called: CD3-EPSILON DEFICIENCY; CD3epsilon deficiency. Identifiers: MedGen C3810127, MONDO:0014278, OMIM 615615.

gnomAD v4.1: 4 of 1,614,050 alleles (0.00025%); highest among the groups gnomAD compares: Non-Finnish European, 0.00034%; no homozygotes.

Submissions (2):

Women's Health and Genetics/Laboratory Corporation of America, LabCorp
Classification: Uncertain significance. Last evaluated: 2024-09-06. Review status: criteria provided, single submitter. Criteria: LabCorp Variant Classification Summary - May 2015. Collection method: clinical testing. Allele origin: germline.
Comment: Variant summary: CD3E c.550C>T (p.Pro184Ser) results in a non-conservative amino acid change in the encoded protein sequence. Four of five in-silico tools predict a damaging effect of the variant on protein function. The variant allele was found at a frequency of 4e-06 in 251160 control chromosomes. The available data on variant occurrences in the general population are insufficient to allow any conclusion about variant significance. To our knowledge, no occurrence of c.550C>T in individuals affected with Severe Combined Immunodeficiency and no experimental evidence demonstrating its impact on protein function have been reported. No submitters have cited clinical-significance assessments for this variant to ClinVar. Based on the evidence outlined above, the variant was classified as uncertain significance.

Labcorp Genetics (formerly Invitae), Labcorp
Classification: Uncertain significance for Immunodeficiency 18. Last evaluated: 2024-02-08. Review status: criteria provided, single submitter. Criteria: Invitae Variant Classification Sherloc (09022015). Collection method: clinical testing. Allele origin: germline.
Comment: This sequence change replaces proline, which is neutral and non-polar, with serine, which is neutral and polar, at codon 184 of the CD3E protein (p.Pro184Ser). This variant is present in population databases (no rsID available, gnomAD 0.0009%). This variant has not been reported in the literature in individuals affected with CD3E-related conditions. An algorithm developed to predict the effect of missense changes on protein structure and function (PolyPhen-2) suggests that this variant is likely to be disruptive. In summary, the available evidence is currently insufficient to determine the role of this variant in disease. Therefore, it has been classified as a Variant of Uncertain Significance.